The following is an entry in ClinVar:

NM_000051.4(ATM):c.2838G>T (p.Met946Ile)

Gene: ATM (ATM serine/threonine kinase; plus strand). Cytogenetic location: 11q22.3.
Variant type: single nucleotide variant.
Coding change: c.2838G>T on transcript NM_000051.4 (MANE Select); coding-DNA position 2838, G replaced by T.
Protein change: p.Met946Ile; replaces methionine 946 with isoleucine.
Molecular consequence: missense variant.
Genome position (GRCh38, 1-based): chr11:108,268,609, G>T. VCF-style: chr11-108268609-G-T. GRCh37 (hg19) VCF-style: chr11-108139336-G-T.
Other names: p.Met946Ile; c.2838G>T, p.Met946Ile (NM_001351834.2); short protein forms M946I.
Identifiers: ClinVar variation 964345 (VCV000964345.10), dbSNP rs1317505466, ClinGen allele CA382545869.

ClinVar aggregate classification (germline): Conflicting classifications of pathogenicity. Review status: criteria provided, conflicting classifications (1 of 4 stars). 2 submissions from 2 submitters: Likely pathogenic (1); Uncertain significance (1). Last evaluated 2023-10-27.

Conditions:
Ataxia-telangiectasia syndrome (AT). Also called: ATAXIA-TELANGIECTASIA, FRESNO VARIANT; Ataxia-telangiectasia, complementation group E; Ataxia telangiectasia (A-T); LOUIS-BAR SYNDROME; Ataxia-telangiectasia, complementation group D; AT, COMPLEMENTATION GROUP C. Identifiers: Orphanet 100, MedGen C0004135, MONDO:0008840, OMIM 208900.

Submissions (2):

Labcorp Genetics (formerly Invitae), Labcorp
Classification: Uncertain significance for Ataxia-telangiectasia syndrome. Last evaluated: 2023-10-27. Review status: criteria provided, single submitter. Criteria: Invitae Variant Classification Sherloc (09022015). Collection method: clinical testing. Allele origin: germline.
Comment: This sequence change replaces methionine, which is neutral and non-polar, with isoleucine, which is neutral and non-polar, at codon 946 of the ATM protein (p.Met946Ile). This variant also falls at the last nucleotide of exon 18, which is part of the consensus splice site for this exon. This variant is not present in population databases (gnomAD no frequency). This missense change has been observed in individual(s) with breast cancer (PMID: 28486781). ClinVar contains an entry for this variant (Variation ID: 964345). An algorithm developed to predict the effect of missense changes on protein structure and function (PolyPhen-2) suggests that this variant is likely to be tolerated. Variants that disrupt the consensus splice site are a relatively common cause of aberrant splicing (PMID: 17576681, 9536098). Algorithms developed to predict the effect of sequence changes on RNA splicing suggest that this variant may disrupt the consensus splice site. In summary, the available evidence is currently insufficient to determine the role of this variant in disease. Therefore, it has been classified as a Variant of Uncertain Significance.

Breakthrough Genomics
Classification: Likely pathogenic for Ataxia-telangiectasia syndrome. Last evaluated: 2020-06-28. Review status: criteria provided, single submitter. Criteria: ACMG Guidelines, 2015. Collection method: clinical testing. Allele origin: germline. Affected: yes.
Comment: This variant lies in the essential splice donor site of exon 18 of the ATM gene and alters a conserved residue in the protein. In-silico splice prediction tool (NNSPLICE) suggests that this variant might affect splicing due to the loss of constitutive splice site and introduction of a new splice site, which in turn might lead to a frameshift and consequent premature termination of the protein; this will likely result in loss-of-function. The variant seems to be a novel variant, as it has not been previously reported in population or public databases or in the literature.

Literature cited by the submitters: PubMed 28486781 (cited by Labcorp Genetics (formerly Invitae), Labcorp); PubMed 17576681 (cited by Labcorp Genetics (formerly Invitae), Labcorp); PubMed 9536098 (cited by Labcorp Genetics (formerly Invitae), Labcorp).